The following is an entry in ClinVar:

NM_001203.3(BMPR1B):c.1456C>T (p.Arg486Trp)

Gene: BMPR1B (bone morphogenetic protein receptor type 1B; plus strand). Cytogenetic location: 4q22.3.
Variant type: single nucleotide variant.
Coding change: c.1456C>T on transcript NM_001203.3 (MANE Select); coding-DNA position 1456, C replaced by T.
Protein change: p.Arg486Trp; replaces arginine 486 with tryptophan.
Molecular consequence: missense variant.
Genome position (GRCh38, 1-based): chr4:95,154,620, C>T. VCF-style: chr4-95154620-C-T. GRCh37 (hg19) VCF-style: chr4-96075771-C-T.
Other names: c.1456C>T, p.Arg486Trp (NM_001256792.2, NM_001256794.1); c.1546C>T, p.Arg516Trp (NM_001256793.2); c.1456C>T (NM_001203.2); short protein forms R486W, R516W.
Identifiers: ClinVar variation 6556 (VCV000006556.5), dbSNP rs121434418, ClinGen allele CA118354.

ClinVar aggregate classification (germline): Pathogenic. Review status: criteria provided, multiple submitters, no conflicts (2 of 4 stars). 3 submissions from 3 submitters: Pathogenic (2). 1 of the submissions does not count toward it. Last evaluated 2024-09-04.

Conditions:
Acromesomelic dysplasia 3 (AMD3). Also called: CHONDRODYSPLASIA, ACROMESOMELIC, WITH OR WITHOUT GENITAL ANOMALIES; Acromesomelic dysplasia, Demirhan type. Identifiers: MedGen C4225404, MONDO:0012274, OMIM 609441.
Type A2 brachydactyly (BDA2). Also called: Brachymesophalangy type 2; MOHR-WRIEDT TYPE BRACHYDACTYLY; BRACHYMESOPHALANGY II. Identifiers: Orphanet 93396, MedGen C1832702, MONDO:0007216, OMIM 112600, HP:0009372.

Submissions (3):

Labcorp Genetics (formerly Invitae), Labcorp
Classification: Pathogenic for Type A2 brachydactyly; Acromesomelic dysplasia 3. Last evaluated: 2024-09-04. Review status: criteria provided, single submitter. Criteria: Invitae Variant Classification Sherloc (09022015). Collection method: clinical testing. Allele origin: germline.
Comment: This sequence change replaces arginine, which is basic and polar, with tryptophan, which is neutral and slightly polar, at codon 486 of the BMPR1B protein (p.Arg486Trp). This variant is not present in population databases (gnomAD no frequency). This missense change has been observed in individual(s) with autosomal dominant brachydactyly type A2 (PMID: 14523231, 33486847). In at least one individual the variant was observed to be de novo. It has also been observed to segregate with disease in related individuals. ClinVar contains an entry for this variant (Variation ID: 6556). Invitae Evidence Modeling of protein sequence and biophysical properties (such as structural, functional, and spatial information, amino acid conservation, physicochemical variation, residue mobility, and thermodynamic stability) indicates that this missense variant is expected to disrupt BMPR1B protein function with a positive predictive value of 80%. For these reasons, this variant has been classified as Pathogenic.

GeneDx
Classification: Pathogenic. Last evaluated: 2022-12-12. Review status: criteria provided, single submitter. Criteria: GeneDx Variant Classification Process June 2021. Collection method: clinical testing. Allele origin: germline. Affected: yes.
Comment: Published functional studies suggest a damaging effect on cartilage differentiation and skeletal development of digits (PMID: 14523231); Not observed at significant frequency in large population cohorts (gnomAD); In silico analysis supports that this missense variant has a deleterious effect on protein structure/function; This variant is associated with the following publications: (PMID: 14523231, 33486847)

OMIM
Classification: Pathogenic for BRACHYDACTYLY, TYPE A2. Last evaluated: 2003-10-14. Review status: no assertion criteria provided. Collection method: literature only. Allele origin: germline. Not counted in ClinVar's aggregate classification.

Literature cited by the submitters: PubMed 14523231 (cited by Labcorp Genetics (formerly Invitae), Labcorp and OMIM); PubMed 33486847 (cited by Labcorp Genetics (formerly Invitae), Labcorp).